The following is an entry in ClinVar:

ClinVar aggregate classification (germline): Uncertain significance (1 of 4 stars; one submission).

Conditions:
Hereditary cancer-predisposing syndrome. Also called: Hereditary Cancer Syndrome; Hereditary neoplastic syndrome; Neoplastic Syndromes, Hereditary; Tumor predisposition. Identifiers: Orphanet 140162, MedGen C0027672, MeSH D009386, MONDO:0015356.

Allele frequency attached by ClinVar (database versions not stated): gnomAD exomes below 0.00001.
gnomAD v4.1: 1 of 1,614,208 alleles (0.000062%); highest among the groups gnomAD compares: Non-Finnish European, 0.000085%; no homozygotes.

Submission:

Ambry Genetics
Classification: Uncertain significance for Hereditary cancer-predisposing syndrome. Last evaluated: 2024-03-12. Review status: criteria provided, single submitter. Criteria: Ambry Variant Classification Scheme 2023. Collection method: clinical testing. Allele origin: germline.
Comment: The p.C321Y variant (also known as c.962G>A), located in coding exon 9 of the FANCC gene, results from a G to A substitution at nucleotide position 962. The cysteine at codon 321 is replaced by tyrosine, an amino acid with highly dissimilar properties. This amino acid position is well conserved in available vertebrate species. In addition, this alteration is predicted to be tolerated by in silico analysis. Since supporting evidence is limited at this time, the clinical significance of this alteration remains unclear.

NM_000136.3(FANCC):c.962G>A (p.Cys321Tyr)

Genes: FANCC (FA complementation group C; minus strand), AOPEP (aminopeptidase O (putative); plus strand). Cytogenetic location: 9q22.32.
Variant type: single nucleotide variant.
Coding change: c.962G>A on transcript NM_000136.3 (MANE Select); coding-DNA position 962, G replaced by A.
Protein change: p.Cys321Tyr; replaces cysteine 321 with tyrosine.
Molecular consequence: missense variant.
Genome position (GRCh38, 1-based): chr9:95,125,120, C>T on the plus strand (G>A on the coding strand, the complement: FANCC is on the minus strand). VCF-style: chr9-95125120-C-T. GRCh37 (hg19) VCF-style: chr9-97887402-C-T.
Other names: c.962G>A, p.Cys321Tyr (NM_001243743.2, NM_001243744.2); short protein forms C321Y.
Identifiers: ClinVar variation 1767611 (VCV001767611.2), dbSNP rs2541137581, ClinGen allele CA374108850.